The following is an entry in ClinVar:

ClinVar aggregate classification (germline): Uncertain significance (1 of 4 stars; one submission).

Conditions:
Cardiovascular phenotype. Identifiers: MedGen CN230736.

gnomAD v4.1: 1 of 1,612,128 alleles (0.000062%); highest among the groups gnomAD compares: Admixed American, 0.0017%; no homozygotes.

Submission:

Ambry Genetics
Classification: Uncertain significance for Cardiovascular phenotype. Last evaluated: 2023-10-11. Review status: criteria provided, single submitter. Criteria: Ambry Variant Classification Scheme 2023. Collection method: clinical testing. Allele origin: germline.
Comment: The c.20070A>G variant (also known as p.K6690K), located in coding exon 79 of the TTN gene, results from an A to G substitution at nucleotide position 20070. This nucleotide substitution does not change the lysine at codon 6690. This nucleotide position is well conserved in available vertebrate species. In silico splice site analysis predicts that this alteration will result in the creation or strengthening of a novel splice donor site. Since supporting evidence is limited at this time, the clinical significance of this alteration remains unclear.

NM_001267550.2(TTN):c.47265A>G (p.Lys15755=)

Genes: TTN (titin; minus strand), TTN-AS1 (TTN antisense RNA 1; plus strand). Cytogenetic location: 2q31.2.
Variant type: single nucleotide variant.
Coding change: c.47265A>G on transcript NM_001267550.2 (MANE Select); coding-DNA position 47265, A replaced by G.
Protein change: p.Lys15755=; no amino-acid change (lysine 15755 retained).
Molecular consequence: synonymous variant.
Genome position (GRCh38, 1-based): chr2:178,618,193, T>C on the plus strand (A>G on the coding strand, the complement: TTN is on the minus strand). VCF-style: chr2-178618193-T-C. GRCh37 (hg19) VCF-style: chr2-179482920-T-C.
Other names: c.42342A>G, p.Lys14114= (NM_001256850.1); c.20070A>G, p.Lys6690= (NM_003319.4); c.39561A>G, p.Lys13187= (NM_133378.4); c.20445A>G, p.Lys6815= (NM_133432.3); c.20646A>G, p.Lys6882= (NM_133437.4).
Identifiers: ClinVar variation 3223213 (VCV003223213.1), dbSNP rs1016054525, ClinGen allele CA60990661.